The following is an entry in ClinVar:

ClinVar aggregate classification (germline): Uncertain significance. Review status: criteria provided, multiple submitters, no conflicts (2 of 4 stars). 2 submissions from 2 submitters: Uncertain significance (2). Last evaluated 2025-08-14.

Allele frequency attached by ClinVar (database versions not stated): 1000 Genomes Project 0.00040; 1000 Genomes Project 30x 0.00047.
gnomAD v4.1: 126 of 1,612,076 alleles (0.0078%); highest among the groups gnomAD compares: African/African-American, 0.15%; no homozygotes.

Submissions (2):

Labcorp Genetics (formerly Invitae), Labcorp
Classification: Uncertain significance. Last evaluated: 2025-08-14. Review status: criteria provided, single submitter. Criteria: Invitae Variant Classification Sherloc (09022015). Collection method: clinical testing. Allele origin: germline.
Comment: This sequence change replaces glycine, which is neutral and non-polar, with tryptophan, which is neutral and slightly polar, at codon 301 of the FBN3 protein (p.Gly301Trp). This variant is present in population databases (rs147585873, gnomAD 0.1%), and has an allele count higher than expected for a pathogenic variant. This variant has not been reported in the literature in individuals affected with FBN3-related conditions. ClinVar contains an entry for this variant (Variation ID: 1433930). Invitae Evidence Modeling of protein sequence and biophysical properties (such as structural, functional, and spatial information, amino acid conservation, physicochemical variation, residue mobility, and thermodynamic stability) indicates that this missense variant is not expected to disrupt FBN3 protein function with a negative predictive value of 80%. In summary, the available evidence is currently insufficient to determine the role of this variant in disease. Therefore, it has been classified as a Variant of Uncertain Significance.

Ambry Genetics
Classification: Uncertain significance. Last evaluated: 2025-01-09. Review status: criteria provided, single submitter. Criteria: Ambry Variant Classification Scheme 2023. Collection method: clinical testing. Allele origin: germline.

NM_032447.5(FBN3):c.901G>T (p.Gly301Trp)

Gene: FBN3 (fibrillin 3; minus strand). Cytogenetic location: 19p13.2.
Variant type: single nucleotide variant.
Coding change: c.901G>T on transcript NM_032447.5 (MANE Select); coding-DNA position 901, G replaced by T.
Protein change: p.Gly301Trp; replaces glycine 301 with tryptophan.
Molecular consequence: missense variant.
Genome position (GRCh38, 1-based): chr19:8,138,529, C>A on the plus strand (G>T on the coding strand, the complement: FBN3 is on the minus strand). VCF-style: chr19-8138529-C-A. GRCh37 (hg19) VCF-style: chr19-8203413-C-A.
Other names: c.901G>T (NM_032447.3); c.901G>T, p.Gly301Trp (NM_001321431.2); short protein forms G301W.
Identifiers: ClinVar variation 1433930 (VCV001433930.10), dbSNP rs147585873, ClinGen allele CA9153542.